The following is an entry in ClinVar:

ClinVar aggregate classification (germline): Likely benign. Review status: criteria provided, multiple submitters, no conflicts (2 of 4 stars). 3 submissions from 3 submitters: Likely benign (3). Last evaluated 2026-01-15.

Conditions:
NOTCH3-related disorder. Also called: NOTCH3-related disorders; NOTCH3-related condition.
Myofibromatosis, infantile, 2. Identifiers: Orphanet 2591, MedGen C3809084, MONDO:0014122, OMIM 615293.
Cerebral arteriopathy, autosomal dominant, with subcortical infarcts and leukoencephalopathy, type 1 (CADASIL1). Also called: CADASIL 1; CASIL; Cerebral arteriopathy with subcortical infarcts and leukoencephalopathy 1; DEMENTIA, HEREDITARY MULTIINFARCT TYPE. Identifiers: Orphanet 136, MedGen C4551768, MONDO:0000914, OMIM 125310.
Lateral meningocele syndrome (LMNS). Also called: NOTCH3-Related Lateral Meningocele Syndrome. Identifiers: Orphanet 2789, MedGen C1851710, MONDO:0007537, OMIM 130720.

Allele frequency attached by ClinVar (database versions not stated): ExAC 0.00008; gnomAD 0.00016 and 0.00017; gnomAD exomes 0.00017 and 0.00005; TOPMed 0.00025.
gnomAD v4.1: 90 of 1,614,220 alleles (0.0056%); highest among the groups gnomAD compares: Admixed American, 0.14%; no homozygotes.

Submissions (3):

Labcorp Genetics (formerly Invitae), Labcorp
Classification: Likely benign. Last evaluated: 2026-01-15. Review status: criteria provided, single submitter. Criteria: Invitae Variant Classification Sherloc (09022015). Collection method: clinical testing. Allele origin: germline.

PreventionGenetics, part of Exact Sciences
Classification: Likely benign for NOTCH3-related condition. Last evaluated: 2025-05-15. Review status: criteria provided, single submitter. Criteria: ACMG Guidelines, 2015. Collection method: clinical testing. Allele origin: germline.
Comment: This variant is classified as likely benign based on ACMG/AMP sequence variant interpretation guidelines (Richards et al. 2015 PMID: 25741868, with internal and published modifications).

Fulgent Genetics
Classification: Likely benign for Cerebral arteriopathy, autosomal dominant, with subcortical infarcts and leukoencephalopathy, type 1; Lateral meningocele syndrome; Myofibromatosis, infantile, 2. Last evaluated: 2021-10-21. Review status: criteria provided, single submitter. Criteria: ACMG Guidelines, 2015. Collection method: clinical testing. Allele origin: unknown.

NM_000435.3(NOTCH3):c.3692G>A (p.Arg1231His)

Gene: NOTCH3 (notch receptor 3; minus strand). Cytogenetic location: 19p13.12.
Variant type: single nucleotide variant.
Coding change: c.3692G>A on transcript NM_000435.3 (MANE Select); coding-DNA position 3692, G replaced by A.
Protein change: p.Arg1231His; replaces arginine 1231 with histidine.
Molecular consequence: missense variant.
Genome position (GRCh38, 1-based): chr19:15,179,051, C>T on the plus strand (G>A on the coding strand, the complement: NOTCH3 is on the minus strand). VCF-style: chr19-15179051-C-T. GRCh37 (hg19) VCF-style: chr19-15289862-C-T.
Other names: short protein forms R1231H.
Identifiers: ClinVar variation 773982 (VCV000773982.10), dbSNP rs778176344, ClinGen allele CA9263019.